The following is an entry in ClinVar:

ClinVar aggregate classification (germline): Pathogenic. Review status: criteria provided, multiple submitters, no conflicts (2 of 4 stars). 2 submissions from 2 submitters: Pathogenic (2). Last evaluated 2025-07-01.

Conditions:
Ataxia-telangiectasia syndrome (AT). Also called: ATAXIA-TELANGIECTASIA, COMPLEMENTATION GROUP A; ATAXIA-TELANGIECTASIA, FRESNO VARIANT; Ataxia-telangiectasia; Ataxia-telangiectasia, complementation group E; LOUIS-BAR SYNDROME; Cerebello-oculocutaneous telangiectasia. Identifiers: Orphanet 100, MedGen C0004135, MONDO:0008840, OMIM 208900.

Submissions (2):

Women's Health and Genetics/Laboratory Corporation of America, LabCorp
Classification: Pathogenic for Ataxia-telangiectasia syndrome. Last evaluated: 2025-07-01. Review status: criteria provided, single submitter. Criteria: LabCorp Variant Classification Summary - May 2015. Collection method: clinical testing. Allele origin: germline.
Comment: Variant summary: ATM c.8772delA (p.Gly2925ValfsX13) results in a premature termination codon, predicted to cause a truncation of the encoded protein or absence of the protein due to nonsense mediated decay, which are commonly known mechanisms for disease. The variant was absent in 251458 control chromosomes. c.8772delA has been observed in at least one compound heterozygous individual affected with Ataxia-Telangiectasia (example: Podralska_2024). At least one publication reports experimental evidence evaluating an impact on protein function. Specifically, lack of ATM protein was demonstrated via Western blot in immortalized lymphoblastoid cells from the affected individual described above who is compound heterozygous for the variant of interest and another pathogenic loss-of-function ATM variant (example: Podralska_2024). The following publication has been ascertained in the context of this evaluation (PMID: 38382170). ClinVar contains an entry for this variant (Variation ID: 2862749). Based on the evidence outlined above, the variant was classified as pathogenic.

Labcorp Genetics (formerly Invitae), Labcorp
Classification: Pathogenic for Ataxia-telangiectasia syndrome. Last evaluated: 2023-05-09. Review status: criteria provided, single submitter. Criteria: Invitae Variant Classification Sherloc (09022015). Collection method: clinical testing. Allele origin: germline.
Comment: This variant has not been reported in the literature in individuals affected with ATM-related conditions. This variant is not present in population databases (gnomAD no frequency). This sequence change creates a premature translational stop signal (p.Gly2925Valfs*13) in the ATM gene. It is expected to result in an absent or disrupted protein product. Loss-of-function variants in ATM are known to be pathogenic (PMID: 23807571, 25614872). For these reasons, this variant has been classified as Pathogenic.

Literature cited by the submitters: PubMed 38382170 (cited by Women's Health and Genetics/Laboratory Corporation of America, LabCorp); PubMed 23807571 (cited by Labcorp Genetics (formerly Invitae), Labcorp); PubMed 25614872 (cited by Labcorp Genetics (formerly Invitae), Labcorp).

NM_000051.4(ATM):c.8772del (p.Gly2925fs)

Genes: C11orf65 (chromosome 11 open reading frame 65; minus strand), ATM (ATM serine/threonine kinase; plus strand). Cytogenetic location: 11q22.3.
Variant type: Deletion.
Coding change: c.8772del on transcript NM_000051.4 (MANE Select); coding-DNA position 8772, one base deleted (A; older notation c.8772delA).
Protein change: p.Gly2925fs; shifts the reading frame from glycine 2925.
Molecular consequence: frameshift variant. On other transcripts: intron variant (2).
Genome position (GRCh38, 1-based): chr11:108,353,866, A deleted; the last of 2 consecutive A bases (chr11:108,353,865-108,353,866); deleting either gives the same sequence. VCF-style (leftmost placement, unchanged base first): chr11-108353864-GA-G. GRCh37 (hg19) VCF-style: chr11-108224591-GA-G.
Other names: c.8772delA (NM_000051.4); c.8772del, p.Gly2925fs (NM_001351834.2); c.640+32055del (NM_001330368.2); c.695-18573del (NM_001351110.2); short protein forms G2925fs.
Identifiers: ClinVar variation 2862749 (VCV002862749.5), dbSNP rs2547518364, ClinGen allele CA2739266001.